The following is an entry in ClinVar:

NM_138477.4(CDAN1):c.2743T>C (p.Leu915=)

Gene: CDAN1 (codanin 1; minus strand). Cytogenetic location: 15q15.2.
Variant type: single nucleotide variant.
Coding change: c.2743T>C on transcript NM_138477.4 (MANE Select); coding-DNA position 2743, T replaced by C.
Protein change: p.Leu915=; no amino-acid change (leucine 915 retained).
Molecular consequence: synonymous variant.
Genome position (GRCh38, 1-based): chr15:42,728,713, A>G on the plus strand (T>C on the coding strand, the complement: CDAN1 is on the minus strand). VCF-style: chr15-42728713-A-G. GRCh37 (hg19) VCF-style: chr15-43020911-A-G.
Identifiers: ClinVar variation 774940 (VCV000774940.44), dbSNP rs149472555, ClinGen allele CA7515485.

ClinVar aggregate classification (germline): Conflicting classifications of pathogenicity. Review status: criteria provided, conflicting classifications (1 of 4 stars). 6 submissions from 6 submitters: Uncertain significance (1); Likely benign (4). 1 of the submissions does not count toward it. Last evaluated 2026-01-27.

Conditions:
Congenital dyserythropoietic anemia, type I. Also called: Dyserythropoietic anemia, congenital type 1. Identifiers: Orphanet 98869, MedGen C0271933, MONDO:0020337. Disease mechanism: loss of function.
CDAN1-related disorder. Also called: CDAN1-related condition.
Anemia, congenital dyserythropoietic, type 1a (CDAN1A). Also called: CDAN1-Related Congenital Dyserythropoietic Anemia; DYSERYTHROPOIETIC ANEMIA, CONGENITAL, TYPE Ia. Identifiers: MedGen C5574667, MONDO:0009135, OMIM 224120.

Allele frequency attached by ClinVar (database versions not stated): 1000 Genomes Project 30x 0.00016; 1000 Genomes Project 0.00020; ExAC 0.00050; gnomAD exomes 0.00055; gnomAD 0.00061; TOPMed 0.00073; ESP Exome Variant Server 0.00115.
gnomAD v4.1: 1,180 of 1,614,182 alleles (0.073%); highest among the groups gnomAD compares: Middle Eastern, 0.18%; no homozygotes.

Submissions (6):

Labcorp Genetics (formerly Invitae), Labcorp
Classification: Likely benign. Last evaluated: 2026-01-27. Review status: criteria provided, single submitter. Criteria: Invitae Variant Classification Sherloc (09022015). Collection method: clinical testing. Allele origin: germline.

CeGaT Center for Human Genetics Tuebingen
Classification: Likely benign. Last evaluated: 2024-12-01. Review status: criteria provided, single submitter. Criteria: CeGaT Center For Human Genetics Tuebingen Variant Classification Criteria Version 2. Collection method: clinical testing. Allele origin: germline. Affected: yes. Observed: 3 variant alleles.
Comment: CDAN1: BP4, BP7

Blueprint Genetics
Classification: Likely benign. Last evaluated: 2024-11-26. Review status: criteria provided, single submitter. Criteria: ACMG Guidelines, 2015. Collection method: clinical testing. Allele origin: germline.

ARUP Laboratories, Molecular Genetics and Genomics, ARUP Laboratories
Classification: Likely benign for Anemia, congenital dyserythropoietic, type 1a. Last evaluated: 2023-01-29. Review status: criteria provided, single submitter. Criteria: ARUP Molecular Germline Variant Investigation Process 2024. Collection method: clinical testing. Allele origin: germline.

Illumina Laboratory Services, Illumina
Classification: Uncertain significance for Anemia, congenital dyserythropoietic, type 1a. Last evaluated: 2018-01-13. Review status: criteria provided, single submitter. Criteria: ICSL Variant Classification Criteria 13 December 2019. Collection method: clinical testing. Allele origin: germline.

PreventionGenetics, part of Exact Sciences
Classification: Likely benign for CDAN1-related condition. Last evaluated: 2019-03-20. Review status: no assertion criteria provided. Collection method: clinical testing. Allele origin: germline. Not counted in ClinVar's aggregate classification.
Comment: This variant is classified as likely benign based on ACMG/AMP sequence variant interpretation guidelines (Richards et al. 2015 PMID: 25741868, with internal and published modifications).